The following is an entry in ClinVar:

ClinVar aggregate classification (germline): Uncertain significance (1 of 4 stars; one submission).

gnomAD v4.1: 3 of 1,552,270 alleles (0.00019%); highest among the groups gnomAD compares: Admixed American, 0.0019%; no homozygotes.

Submission:

Labcorp Genetics (formerly Invitae), Labcorp
Classification: Uncertain significance. Last evaluated: 2024-10-11. Review status: criteria provided, single submitter. Criteria: Invitae Variant Classification Sherloc (09022015). Collection method: clinical testing. Allele origin: germline.
Comment: This sequence change replaces arginine, which is basic and polar, with glycine, which is neutral and non-polar, at codon 1304 of the TRIOBP protein (p.Arg1304Gly). This variant is present in population databases (rs550274094, gnomAD 0.004%). This variant has not been reported in the literature in individuals affected with TRIOBP-related conditions. An algorithm developed to predict the effect of missense changes on protein structure and function (PolyPhen-2) suggests that this variant is likely to be disruptive. In summary, the available evidence is currently insufficient to determine the role of this variant in disease. Therefore, it has been classified as a Variant of Uncertain Significance.

NM_001039141.3(TRIOBP):c.3910C>G (p.Arg1304Gly)

Gene: TRIOBP (TRIO and F-actin binding protein; plus strand). Cytogenetic location: 22q13.1.
Variant type: single nucleotide variant.
Coding change: c.3910C>G on transcript NM_001039141.3 (MANE Select); coding-DNA position 3910, C replaced by G.
Protein change: p.Arg1304Gly; replaces arginine 1304 with glycine.
Molecular consequence: missense variant.
Genome position (GRCh38, 1-based): chr22:37,726,466, C>G. VCF-style: chr22-37726466-C-G. GRCh37 (hg19) VCF-style: chr22-38122473-C-G.
Other names: short protein forms R1304G.
Identifiers: ClinVar variation 3664092 (VCV003664092.2).
Genomic context (GRCh38, chr22:37,726,466, plus strand): 5'-CAGAGACAGCCAGGGCCCCAGGCGCAGTGCAGCAGCGGGGGCCGCACCCACAGCCCTGGC[C>G]GTGCAGAGGTGGAGCGCCTCTTCGGGCAAGAGCGCAGGTGAGCCCGGGGGTGGGGTCAGC-3'
Protein context (NP_001034230.1, residues 1294-1314): SSGGRTHSPG[Arg1304Gly]AEVERLFGQE